The following is an entry in ClinVar:

ClinVar aggregate classification (germline): Uncertain significance. Review status: criteria provided, multiple submitters, no conflicts (2 of 4 stars). 2 submissions from 2 submitters: Uncertain significance (2). Last evaluated 2025-08-02.

Allele frequency attached by ClinVar (database versions not stated): ExAC 0.00002.
gnomAD v4.1: 105 of 1,614,156 alleles (0.0065%); highest among the groups gnomAD compares: African/African-American, 0.013%; no homozygotes.

Submissions (2):

Ambry Genetics
Classification: Uncertain significance. Last evaluated: 2025-08-02. Review status: criteria provided, single submitter. Criteria: Ambry Variant Classification Scheme 2023. Collection method: clinical testing. Allele origin: germline.

Labcorp Genetics (formerly Invitae), Labcorp
Classification: Uncertain significance. Last evaluated: 2021-07-26. Review status: criteria provided, single submitter. Criteria: Invitae Variant Classification Sherloc (09022015). Collection method: clinical testing. Allele origin: germline.
Comment: This sequence change replaces alanine with valine at codon 333 of the APOA4 protein (p.Ala333Val). The alanine residue is moderately conserved and there is a small physicochemical difference between alanine and valine. This variant is present in population databases (rs113263292, ExAC 0.01%). This variant has not been reported in the literature in individuals affected with APOA4-related conditions. Algorithms developed to predict the effect of missense changes on protein structure and function are either unavailable or do not agree on the potential impact of this missense change (SIFT: "Deleterious"; PolyPhen-2: "Benign"; Align-GVGD: "Class C0"). In summary, the available evidence is currently insufficient to determine the role of this variant in disease. Therefore, it has been classified as a Variant of Uncertain Significance.

NM_000482.4(APOA4):c.998C>T (p.Ala333Val)

Gene: APOA4 (apolipoprotein A4; minus strand). Cytogenetic location: 11q23.3.
Variant type: single nucleotide variant.
Coding change: c.998C>T on transcript NM_000482.4 (MANE Select); coding-DNA position 998, C replaced by T.
Protein change: p.Ala333Val; replaces alanine 333 with valine.
Molecular consequence: missense variant.
Genome position (GRCh38, 1-based): chr11:116,821,060, G>A on the plus strand (C>T on the coding strand, the complement: APOA4 is on the minus strand). VCF-style: chr11-116821060-G-A. GRCh37 (hg19) VCF-style: chr11-116691776-G-A.
Other names: c.998C>T (NM_000482.3); short protein forms A333V.
Identifiers: ClinVar variation 1488302 (VCV001488302.10), dbSNP rs113263292, ClinGen allele CA6289263.